The following is an entry in ClinVar:

ClinVar aggregate classification (germline): Likely benign. Review status: criteria provided, multiple submitters, no conflicts (2 of 4 stars). 4 submissions from 4 submitters: Likely benign (4). Last evaluated 2025-07-08.

Conditions:
Charcot-Marie-Tooth disease type 4. Also called: Charcot-Marie-Tooth disease, type IV; Charcot-Marie-Tooth, Type 4. Identifiers: Orphanet 64749, MedGen C4082197, MONDO:0018995.

Allele frequency attached by ClinVar (database versions not stated): ExAC 0.00001; gnomAD 0.00001; ESP Exome Variant Server 0.00008.
gnomAD v4.1: 13 of 1,614,048 alleles (0.00081%); highest among the groups gnomAD compares: South Asian, 0.0011%; no homozygotes.

Submissions (4):

Mayo Clinic Laboratories, Mayo Clinic
Classification: Likely benign. Last evaluated: 2025-07-08. Review status: criteria provided, single submitter. Criteria: ACMG Guidelines, 2015. Collection method: clinical testing. Allele origin: germline. Observed: 1 variant allele.
Comment: BP4, BP7

Labcorp Genetics (formerly Invitae), Labcorp
Classification: Likely benign for Charcot-Marie-Tooth disease type 4. Last evaluated: 2024-10-15. Review status: criteria provided, single submitter. Criteria: Invitae Variant Classification Sherloc (09022015). Collection method: clinical testing. Allele origin: germline.

Athena Diagnostics
Classification: Likely benign. Last evaluated: 2024-04-02. Review status: criteria provided, single submitter. Criteria: Athena Diagnostics Criteria. Collection method: clinical testing. Allele origin: unknown.

CeGaT Center for Human Genetics Tuebingen
Classification: Likely benign. Last evaluated: 2022-06-01. Review status: criteria provided, single submitter. Criteria: CeGaT Center For Human Genetics Tuebingen Variant Classification Criteria Version 2. Collection method: clinical testing. Allele origin: germline. Affected: yes. Observed: 2 variant alleles.
Comment: SH3TC2: BP4, BP7

NM_024577.4(SH3TC2):c.3417C>T (p.Leu1139=)

Gene: SH3TC2 (SH3 domain and tetratricopeptide repeats 2; minus strand). Cytogenetic location: 5q32.
Variant type: single nucleotide variant.
Coding change: c.3417C>T on transcript NM_024577.4 (MANE Select); coding-DNA position 3417, C replaced by T.
Protein change: p.Leu1139=; no amino-acid change (leucine 1139 retained).
Molecular consequence: synonymous variant.
Genome position (GRCh38, 1-based): chr5:149,008,912, G>A on the plus strand (C>T on the coding strand, the complement: SH3TC2 is on the minus strand). VCF-style: chr5-149008912-G-A. GRCh37 (hg19) VCF-style: chr5-148388475-G-A.
Other names: p.Leu1139=; c.3417C>T (NM_024577.3).
Identifiers: ClinVar variation 1128134 (VCV001128134.44), dbSNP rs367649953, ClinGen allele CA3498750.